The following is an entry in ClinVar:

ClinVar aggregate classification (germline): Uncertain significance (1 of 4 stars; one submission).

Conditions:
Noonan syndrome 9 (NS9). Identifiers: Orphanet 648, MedGen C4225282, MONDO:0014691, OMIM 616559.

Submission:

Labcorp Genetics (formerly Invitae), Labcorp
Classification: Uncertain significance for Noonan syndrome 9. Last evaluated: 2025-03-19. Review status: criteria provided, single submitter. Criteria: Invitae Variant Classification Sherloc (09022015). Collection method: clinical testing. Allele origin: germline.
Comment: This sequence change replaces leucine, which is neutral and non-polar, with proline, which is neutral and non-polar, at codon 777 of the SOS2 protein (p.Leu777Pro). This variant is not present in population databases (gnomAD no frequency). This variant has not been reported in the literature in individuals affected with SOS2-related conditions. Invitae Evidence Modeling of protein sequence and biophysical properties (such as structural, functional, and spatial information, amino acid conservation, physicochemical variation, residue mobility, and thermodynamic stability) has been performed for this missense variant. However, the output from this modeling did not meet the statistical confidence thresholds required to predict the impact of this variant on SOS2 protein function. In summary, the available evidence is currently insufficient to determine the role of this variant in disease. Therefore, it has been classified as a Variant of Uncertain Significance.

NM_006939.4(SOS2):c.2330T>C (p.Leu777Pro)

Gene: SOS2 (SOS Ras/Rho guanine nucleotide exchange factor 2; minus strand). Cytogenetic location: 14q21.3.
Variant type: single nucleotide variant.
Coding change: c.2330T>C on transcript NM_006939.4 (MANE Select); coding-DNA position 2330, T replaced by C.
Protein change: p.Leu777Pro; replaces leucine 777 with proline.
Molecular consequence: missense variant.
Genome position (GRCh38, 1-based): chr14:50,150,062, A>G on the plus strand (T>C on the coding strand, the complement: SOS2 is on the minus strand). VCF-style: chr14-50150062-A-G. GRCh37 (hg19) VCF-style: chr14-50616780-A-G.
Other names: c.2231T>C, p.Leu744Pro (NM_001411020.1); short protein forms L744P, L777P.
Identifiers: ClinVar variation 4801985 (VCV004801985.1).
Genomic context (GRCh38, chr14:50,150,062, plus strand): 5'-GTCTACCTGTAAAGATCAGACTCCAAAAGTGTCAGCTGACGTGCAATTTCTATTGGATGA[A>G]GTGTCATGAGATCAAATGTTTCAAACTGTCCTGGTTTGCTGATATGCCATTCAATTGGTG-3'
Protein context (NP_008870.2, residues 767-787): GQFETFDLMT[Leu777Pro]HPIEIARQLT